The following is an entry in ClinVar:

ClinVar aggregate classification (germline): Conflicting classifications of pathogenicity. Review status: criteria provided, conflicting classifications (1 of 4 stars). 3 submissions from 3 submitters: Pathogenic (1); Uncertain significance (1). 1 of the submissions does not count toward it. Last evaluated 2024-05-14.

Conditions:
Usher syndrome type 1B (USH1B). Also called: Usher syndrome type IB. Identifiers: MedGen C1848638, MONDO:0700087.
MYO7A-related disorder. Also called: MYO7A-related disorders.

Allele frequency attached by ClinVar (database versions not stated): gnomAD 0.00001; gnomAD exomes 0.00001 and 0.00002; TOPMed 0.00001; ExAC 0.00004; ESP Exome Variant Server 0.00008.
gnomAD v4.1: 21 of 1,609,122 alleles (0.0013%); highest among the groups gnomAD compares: Non-Finnish European, 0.0018%; no homozygotes.

Submissions (3):

Blueprint Genetics
Classification: Pathogenic for MYO7A-related disorders. Last evaluated: 2024-05-14. Review status: criteria provided, single submitter. Criteria: ACMG Guidelines, 2015. Collection method: clinical testing. Allele origin: germline. Affected: yes. Observed: 5 variant alleles.

GeneDx
Classification: Uncertain significance. Last evaluated: 2020-08-17. Review status: criteria provided, single submitter. Criteria: GeneDx Variant Classification Process June 2021. Collection method: clinical testing. Allele origin: germline. Affected: yes.
Comment: Canonical splice site variant predicted to result in a null allele in a gene for which loss-of-function is a known mechanism of disease; Has not been previously published as pathogenic or benign to our knowledge

Natera, Inc.
Classification: Uncertain significance for Usher syndrome type 1B. Last evaluated: 2021-04-15. Review status: no assertion criteria provided. Collection method: clinical testing. Allele origin: germline. Not counted in ClinVar's aggregate classification.

NM_000260.4(MYO7A):c.-46-2A>G

Gene: MYO7A (myosin VIIA; plus strand). Cytogenetic location: 11q13.5.
Variant type: single nucleotide variant.
Coding change: c.-46-2A>G on transcript NM_000260.4 (MANE Select); the canonical splice acceptor site of the intron before 46 bases upstream of the start codon, A replaced by G.
Molecular consequence: splice acceptor variant.
Genome position (GRCh38, 1-based): chr11:77,130,587, A>G. VCF-style: chr11-77130587-A-G. GRCh37 (hg19) VCF-style: chr11-76841633-A-G.
Other names: c.-159-2A>G (NM_001369365.1); c.-46-2A>G (NM_001127180.2).
Identifiers: ClinVar variation 1215568 (VCV001215568.5), dbSNP rs370329263, ClinGen allele CA6196964.